The following is an entry in ClinVar:

NM_000135.4(FANCA):c.294_295delinsTT (p.Leu98_Gln99delinsPheTer)

Gene: FANCA (FA complementation group A; minus strand). Cytogenetic location: 16q24.3.
Variant type: Indel.
Coding change: c.294_295delinsTT on transcript NM_000135.4 (MANE Select); coding-DNA positions 294 to 295, GC replaced by TT.
Protein change: p.Leu98_Gln99delinsPheTer.
Molecular consequence: nonsense.
Genome position (GRCh38, 1-based): chr16:89,811,060-89,811,061, GC replaced by AA on the plus strand (GC replaced by TT on the coding strand, the reverse complement: FANCA is on the minus strand). VCF-style: chr16-89811060-GC-AA. GRCh37 (hg19) VCF-style: chr16-89877468-GC-AA.
Other names: c.294_295delGCinsTT (LRG_495t1); c.294_295delinsTT, p.Leu98_Gln99delinsPheTer (NM_001018112.3, NM_001286167.3, NM_001351830.2).
Identifiers: ClinVar variation 644950 (VCV000644950.1), dbSNP rs1598191053, ClinGen allele CA915949440.

ClinVar aggregate classification (germline): Pathogenic (1 of 4 stars; one submission).

Conditions:
Fanconi anemia (FA). Also called: Fanconi's anemia. Identifiers: Orphanet 84, MedGen C0015625, MeSH D005199, MONDO:0019391.

Submission:

Labcorp Genetics (formerly Invitae), Labcorp
Classification: Pathogenic for Fanconi anemia. Last evaluated: 2018-12-05. Review status: criteria provided, single submitter. Criteria: Invitae Variant Classification Sherloc (09022015). Collection method: clinical testing. Allele origin: germline.
Comment: This sequence change creates a premature translational stop signal (p.Leu98_Gln99delinsPhe*) in the FANCA gene. It is expected to result in an absent or disrupted protein product. This variant is not present in population databases (ExAC no frequency). This variant has not been reported in the literature in individuals with FANCA-related disease. A different variant (c.295C>T) giving rise to the same protein truncating effect observed here (p.Gln99*) has been determined to be pathogenic (PMID:Â¬â€ 15522956). This suggests that this variant is also likely to be causative of disease. Loss-of-function variants in FANCA are known to be pathogenic (PMID: 19367192). For these reasons, this variant has been classified as Pathogenic.